The following is an entry in ClinVar:

ClinVar aggregate classification (germline): Uncertain significance. Review status: criteria provided, multiple submitters, no conflicts (2 of 4 stars). 2 submissions from 2 submitters: Uncertain significance (2). Last evaluated 2025-04-03.

Conditions:
Hereditary cancer-predisposing syndrome. Also called: Neoplastic Syndromes, Hereditary; Tumor predisposition; Hereditary Cancer Syndrome; Hereditary neoplastic syndrome. Identifiers: Orphanet 140162, MedGen C0027672, MeSH D009386, MONDO:0015356.
Gastrointestinal stromal tumor. Also called: Gastrointestinal stromal tumor, somatic; Gastrointestinal stroma tumor. Identifiers: Orphanet 44890, MedGen C0238198, MeSH D046152, MONDO:0011719, OMIM 606764, HP:0100723.

Submissions (2):

Ambry Genetics
Classification: Uncertain significance for Hereditary cancer-predisposing syndrome. Last evaluated: 2025-04-03. Review status: criteria provided, single submitter. Criteria: Ambry Variant Classification Scheme 2023. Collection method: clinical testing. Allele origin: germline.
Comment: The p.E70D variant (also known as c.210A>C), located in coding exon 2 of the PDGFRA gene, results from an A to C substitution at nucleotide position 210. The glutamic acid at codon 70 is replaced by aspartic acid, an amino acid with highly similar properties. This amino acid position is conserved. In addition, this alteration is predicted to be tolerated by in silico analysis. Based on the available evidence, the clinical significance of this variant remains unclear.

Labcorp Genetics (formerly Invitae), Labcorp
Classification: Uncertain significance for Gastrointestinal stromal tumor. Last evaluated: 2023-05-10. Review status: criteria provided, single submitter. Criteria: Invitae Variant Classification Sherloc (09022015). Collection method: clinical testing. Allele origin: germline.
Comment: This sequence change replaces glutamic acid, which is acidic and polar, with aspartic acid, which is acidic and polar, at codon 70 of the PDGFRA protein (p.Glu70Asp). This variant is not present in population databases (gnomAD no frequency). This variant has not been reported in the literature in individuals affected with PDGFRA-related conditions. ClinVar contains an entry for this variant (Variation ID: 857066). Algorithms developed to predict the effect of missense changes on protein structure and function output the following: SIFT: "Not Available"; PolyPhen-2: "Benign"; Align-GVGD: "Not Available". The aspartic acid amino acid residue is found in multiple mammalian species, which suggests that this missense change does not adversely affect protein function. In summary, the available evidence is currently insufficient to determine the role of this variant in disease. Therefore, it has been classified as a Variant of Uncertain Significance.

NM_006206.6(PDGFRA):c.210A>C (p.Glu70Asp)

Gene: PDGFRA (platelet derived growth factor receptor alpha; plus strand). Cytogenetic location: 4q12.
Variant type: single nucleotide variant.
Coding change: c.210A>C on transcript NM_006206.6 (MANE Select); coding-DNA position 210, A replaced by C.
Protein change: p.Glu70Asp; replaces glutamic acid 70 with aspartic acid.
Molecular consequence: missense variant.
Genome position (GRCh38, 1-based): chr4:54,261,255, A>C. VCF-style: chr4-54261255-A-C. GRCh37 (hg19) VCF-style: chr4-55127422-A-C.
Other names: c.210A>C, p.Glu70Asp (NM_001347827.2, NM_001347829.2); c.285A>C, p.Glu95Asp (NM_001347828.2); c.249A>C, p.Glu83Asp (NM_001347830.2); short protein forms E95D, E70D, E83D.
Identifiers: ClinVar variation 857066 (VCV000857066.9), dbSNP rs1722690992, ClinGen allele CA356888497.
Genomic context (GRCh38, chr4:54,261,255, plus strand): 5'-TGGGGAGAGTGAAGTGAGCTGGCAGTACCCCATGTCTGAAGAAGAGAGCTCCGATGTGGA[A>C]ATCAGAAATGAAGAAAACAACAGCGGCCTTTTTGTGACGGTCTTGGAAGTGAGCAGTGCC-3'
Protein context (NP_006197.1, residues 60-80): PMSEEESSDV[Glu70Asp]IRNEENNSGL